The following is an entry in ClinVar:

NM_172362.3(KCNH1):c.2773A>G (p.Thr925Ala)

Gene: KCNH1 (potassium voltage-gated channel subfamily H member 1; minus strand). Cytogenetic location: 1q32.2.
Variant type: single nucleotide variant.
Coding change: c.2773A>G on transcript NM_172362.3 (MANE Select); coding-DNA position 2773, A replaced by G.
Protein change: p.Thr925Ala; replaces threonine 925 with alanine.
Molecular consequence: missense variant.
Genome position (GRCh38, 1-based): chr1:210,683,478, T>C on the plus strand (A>G on the coding strand, the complement: KCNH1 is on the minus strand). VCF-style: chr1-210683478-T-C. GRCh37 (hg19) VCF-style: chr1-210856820-T-C.
Other names: c.2692A>G, p.Thr898Ala (NM_002238.4); short protein forms T925A, T898A.
Identifiers: ClinVar variation 3680645 (VCV003680645.2).
Genomic context (GRCh38, chr1:210,683,478, plus strand): 5'-TCATTTTGGCGTTTAAGGCCTTGATGTCCTCCTTCAGCTCGTGCCTCACCTCCAGGACTG[T>C]GGCCTGCAGCGTCTGCTCAGGGATGGGGTAGAACGAATGCTTGACCTCTGCCAGGATGGG-3'
Protein context (NP_758872.1, residues 915-935): YPIPEQTLQA[Thr925Ala]VLEVRHELKE

ClinVar aggregate classification (germline): Uncertain significance (1 of 4 stars; one submission).

gnomAD v4.1: 12 of 1,614,038 alleles (0.00074%); highest among the groups gnomAD compares: Non-Finnish European, 0.001%; no homozygotes.

Submission:

Labcorp Genetics (formerly Invitae), Labcorp
Classification: Uncertain significance. Last evaluated: 2024-08-06. Review status: criteria provided, single submitter. Criteria: Invitae Variant Classification Sherloc (09022015). Collection method: clinical testing. Allele origin: germline.
Comment: This sequence change replaces threonine, which is neutral and polar, with alanine, which is neutral and non-polar, at codon 925 of the KCNH1 protein (p.Thr925Ala). This variant is present in population databases (rs149205697, gnomAD 0.0009%). This variant has not been reported in the literature in individuals affected with KCNH1-related conditions. Advanced modeling of protein sequence and biophysical properties (such as structural, functional, and spatial information, amino acid conservation, physicochemical variation, residue mobility, and thermodynamic stability) performed at Invitae indicates that this missense variant is not expected to disrupt KCNH1 protein function with a negative predictive value of 95%. In summary, the available evidence is currently insufficient to determine the role of this variant in disease. Therefore, it has been classified as a Variant of Uncertain Significance.